The following is an entry in ClinVar:

NM_197968.4(ZMYM2):c.339_342del (p.Ser114fs)

Gene: ZMYM2 (zinc finger MYM-type containing 2; plus strand). Cytogenetic location: 13q12.11.
Variant type: Deletion.
Coding change: c.339_342del on transcript NM_197968.4 (MANE Select); coding-DNA positions 339 to 342, 4 bases deleted (AAGT; older notation c.339_342delAAGT).
Protein change: p.Ser114fs; shifts the reading frame from serine 114.
Molecular consequence: frameshift variant. On other transcripts: non-coding transcript variant (1).
Genome position (GRCh38, 1-based): chr13:19,993,411-19,993,414, AAGT deleted; deleting any 4 consecutive bases within chr13:19,993,409-19,993,414 gives the same sequence; the c. name uses the placement nearest the transcript's 3' end. VCF-style (leftmost placement, unchanged base first): chr13-19993408-TGTAA-T. GRCh37 (hg19) VCF-style: chr13-20567548-TGTAA-T.
Other names: c.339_342del, p.Ser114fs (NM_001190964.4, NM_001190965.4, NM_001353157.2 and 6 more transcripts); c.405_408del, p.Ser136fs (NM_001353161.3); short protein forms S114fs, S136fs.
Identifiers: ClinVar variation 3767150 (VCV003767150.3).

ClinVar aggregate classification (germline): Pathogenic. Review status: criteria provided, multiple submitters, no conflicts (2 of 4 stars). 2 submissions from 2 submitters: Pathogenic (2). Last evaluated 2026-01-26.

Conditions:
Neurodevelopmental-craniofacial syndrome with variable renal and cardiac abnormalities. Identifiers: MedGen C5561984, MONDO:0859190, OMIM 619522.

Submissions (2):

3billion
Classification: Pathogenic for Neurodevelopmental-craniofacial syndrome with variable renal and cardiac abnormalities. Last evaluated: 2026-01-26. Review status: criteria provided, single submitter. Criteria: ACMG Guidelines, 2015. Collection method: clinical testing. Allele origin: germline. Affected: yes.
Comment: The variant is not observed in the gnomAD v4.1.0 dataset. Predicted Consequence/Location: Frameshift: predicted to result in a loss or disruption of normal protein function through nonsense-mediated decay (NMD) or protein truncation. Multiple pathogenic variants are reported downstream of the variant. The variant has been reported to be associated with ZMYM2-related disorder (ClinVar ID: VCV003767150). Therefore, this variant is classified as Pathogenic according to the recommendation of ACMG/AMP guideline.

Kasturba Medical College, Manipal, Kasturba Medical College, Manipal, Manipal Academy of Higher Education, Manipal, India
Classification: Pathogenic for Neurodevelopmental-craniofacial syndrome with variable renal and cardiac abnormalities. Review status: criteria provided, single submitter. Criteria: ACMG Guidelines, 2015. Collection method: research. Allele origin: de novo. Inheritance: Autosomal dominant inheritance. Affected: yes. Observed: 1 heterozygote.
Comment: This variant is absent in population database gnomAD (v4.1.0) and our in-house database of 3527 exomes. The variant may cause shift in the reading frame of the transcript which likely introduces a premature termination codon. This may either result in a formation of truncated protein product or cause the transcript to undergo nonsense-mediated mRNA decay.